The following is an entry in ClinVar:

ClinVar aggregate classification (germline): Uncertain significance. Review status: criteria provided, multiple submitters, no conflicts (2 of 4 stars). 2 submissions from 2 submitters: Uncertain significance (2). Last evaluated 2024-12-04.

Conditions:
Inborn genetic diseases. Identifiers: MedGen C0950123, MeSH D030342.
Polyglucosan body myopathy type 1 (PGBM1). Also called: POLYGLUCOSAN BODY MYOPATHY WITHOUT IMMUNODEFICIENCY; Polyglucosan body myopathy 1 with or without immunodeficiency. Identifiers: Orphanet 329173, Orphanet 397937, MedGen C4014605, MONDO:0014389, OMIM 615895.

Allele frequency attached by ClinVar (database versions not stated): gnomAD exomes 0.00001; TOPMed 0.00002.
gnomAD v4.1: 18 of 1,613,290 alleles (0.0011%); highest among the groups gnomAD compares: African/African-American, 0.0027%; no homozygotes.

Submissions (2):

Ambry Genetics
Classification: Uncertain significance for Inborn genetic diseases. Last evaluated: 2024-12-04. Review status: criteria provided, single submitter. Criteria: Ambry Variant Classification Scheme 2023. Collection method: clinical testing. Allele origin: germline.

Labcorp Genetics (formerly Invitae), Labcorp
Classification: Uncertain significance for Polyglucosan body myopathy type 1. Last evaluated: 2024-08-09. Review status: criteria provided, single submitter. Criteria: Invitae Variant Classification Sherloc (09022015). Collection method: clinical testing. Allele origin: germline.
Comment: This sequence change replaces isoleucine, which is neutral and non-polar, with valine, which is neutral and non-polar, at codon 326 of the RBCK1 protein (p.Ile326Val). This variant is present in population databases (no rsID available, gnomAD 0.007%). This variant has not been reported in the literature in individuals affected with RBCK1-related conditions. ClinVar contains an entry for this variant (Variation ID: 2182079). Advanced modeling of protein sequence and biophysical properties (such as structural, functional, and spatial information, amino acid conservation, physicochemical variation, residue mobility, and thermodynamic stability) performed at Invitae indicates that this missense variant is not expected to disrupt RBCK1 protein function with a negative predictive value of 80%. In summary, the available evidence is currently insufficient to determine the role of this variant in disease. Therefore, it has been classified as a Variant of Uncertain Significance.

NM_031229.4(RBCK1):c.976A>G (p.Ile326Val)

Gene: RBCK1 (RANBP2-type and C3HC4-type zinc finger containing 1; plus strand). Cytogenetic location: 20p13.
Variant type: single nucleotide variant.
Coding change: c.976A>G on transcript NM_031229.4 (MANE Select); coding-DNA position 976, A replaced by G.
Protein change: p.Ile326Val; replaces isoleucine 326 with valine.
Molecular consequence: missense variant. On other transcripts: non-coding transcript variant (1).
Genome position (GRCh38, 1-based): chr20:422,185, A>G. VCF-style: chr20-422185-A-G. GRCh37 (hg19) VCF-style: chr20-402829-A-G.
Other names: c.466A>G, p.Ile156Val (NM_001323956.2, NM_001323958.2); c.1027A>G, p.Ile343Val (NM_001410770.1); c.850A>G, p.Ile284Val (NM_006462.6); c.976A>G (NM_031229.2); short protein forms I284V, I343V, I156V, I326V.
Identifiers: ClinVar variation 2182079 (VCV002182079.3), dbSNP rs1246376531, ClinGen allele CA407930734.